The following is an entry in ClinVar:

ClinVar aggregate classification (germline): Uncertain significance. Review status: criteria provided, multiple submitters, no conflicts (2 of 4 stars). 3 submissions from 3 submitters: Uncertain significance (3). Last evaluated 2025-12-01.

Conditions:
Immunodeficiency 35 (IMD35). Also called: HIES WITH ATYPICAL MYCOBACTERIOSIS, AUTOSOMAL RECESSIVE; HYPER-IgE SYNDROME WITH ATYPICAL MYCOBACTERIOSIS, AUTOSOMAL RECESSIVE; TYK2 DEFICIENCY; Susceptibility to infection due to TYK2 deficiency. Identifiers: Orphanet 331226, MedGen C1969086, MONDO:0012682, OMIM 611521.

Allele frequency attached by ClinVar (database versions not stated): gnomAD 0.00001 and 0.00003; TOPMed 0.00002; gnomAD exomes 0.00004; ExAC 0.00006; 1000 Genomes Project 30x 0.00031; 1000 Genomes Project 0.00040.
gnomAD v4.1: 41 of 1,611,826 alleles (0.0025%); highest among the groups gnomAD compares: East Asian, 0.018%; no homozygotes.

Submissions (3):

Labcorp Genetics (formerly Invitae), Labcorp
Classification: Uncertain significance for Immunodeficiency 35. Last evaluated: 2025-12-01. Review status: criteria provided, single submitter. Criteria: Invitae Variant Classification Sherloc (09022015). Collection method: clinical testing. Allele origin: germline.
Comment: This sequence change replaces arginine, which is basic and polar, with tryptophan, which is neutral and slightly polar, at codon 221 of the TYK2 protein (p.Arg221Trp). This variant is present in population databases (rs200858844, gnomAD 0.007%). This variant has not been reported in the literature in individuals affected with TYK2-related conditions. ClinVar contains an entry for this variant (Variation ID: 327955). Invitae Evidence Modeling of protein sequence and biophysical properties (such as structural, functional, and spatial information, amino acid conservation, physicochemical variation, residue mobility, and thermodynamic stability) indicates that this missense variant is not expected to disrupt TYK2 protein function with a negative predictive value of 80%. In summary, the available evidence is currently insufficient to determine the role of this variant in disease. Therefore, it has been classified as a Variant of Uncertain Significance.

GeneDx
Classification: Uncertain significance. Last evaluated: 2024-04-15. Review status: criteria provided, single submitter. Criteria: GeneDx Variant Classification Process June 2021. Collection method: clinical testing. Allele origin: germline. Affected: yes.
Comment: Has not been previously published as pathogenic or benign to our knowledge; In silico analysis supports that this missense variant has a deleterious effect on protein structure/function

Illumina Laboratory Services, Illumina
Classification: Uncertain significance for Immunodeficiency 35. Last evaluated: 2018-01-13. Review status: criteria provided, single submitter. Criteria: ICSL Variant Classification Criteria 13 December 2019. Collection method: clinical testing. Allele origin: germline.

NM_003331.5(TYK2):c.661C>T (p.Arg221Trp)

Gene: TYK2 (tyrosine kinase 2; minus strand). Cytogenetic location: 19p13.2.
Variant type: single nucleotide variant.
Coding change: c.661C>T on transcript NM_003331.5 (MANE Select); coding-DNA position 661, C replaced by T.
Protein change: p.Arg221Trp; replaces arginine 221 with tryptophan.
Molecular consequence: missense variant.
Genome position (GRCh38, 1-based): chr19:10,365,867, G>A on the plus strand (C>T on the coding strand, the complement: TYK2 is on the minus strand). VCF-style: chr19-10365867-G-A. GRCh37 (hg19) VCF-style: chr19-10476543-G-A.
Other names: c.661C>T (LRG_121t1); short protein forms R221W.
Identifiers: ClinVar variation 327955 (VCV000327955.10), dbSNP rs200858844, ClinGen allele CA9193653.